The following is an entry in ClinVar:

ClinVar aggregate classification (germline): Likely benign. Review status: criteria provided, multiple submitters, no conflicts (2 of 4 stars). 3 submissions from 3 submitters: Likely benign (2). 1 of the submissions does not count toward it. Last evaluated 2024-03-16.

Conditions:
Cerebral creatine deficiency syndrome. Also called: Creatine deficiency syndromes. Identifiers: Orphanet 79172, MedGen C5244016, MONDO:0000456.
Deficiency of guanidinoacetate methyltransferase (CCDS2). Also called: CEREBRAL CREATINE DEFICIENCY SYNDROME 2; Guanidinoacetate Methyltransferase (GAMT) Deficiency; GAMT DEFICIENCY. Identifiers: Orphanet 382, MedGen C0574080, MONDO:0012999, OMIM 612736.

Allele frequency attached by ClinVar (database versions not stated): TOPMed below 0.00001; gnomAD 0.00001; gnomAD exomes 0.00002 and 0.00003; ExAC 0.00011.
gnomAD v4.1: 23 of 1,592,120 alleles (0.0014%); highest among the groups gnomAD compares: South Asian, 0.017%; no homozygotes.

Submissions (3):

Labcorp Genetics (formerly Invitae), Labcorp
Classification: Likely benign for Cerebral creatine deficiency syndrome. Last evaluated: 2024-03-16. Review status: criteria provided, single submitter. Criteria: Invitae Variant Classification Sherloc (09022015). Collection method: clinical testing. Allele origin: germline.

CeGaT Center for Human Genetics Tuebingen
Classification: Likely benign. Last evaluated: 2024-01-01. Review status: criteria provided, single submitter. Criteria: CeGaT Center For Human Genetics Tuebingen Variant Classification Criteria Version 2. Collection method: clinical testing. Allele origin: germline. Affected: yes. Observed: 1 variant allele.
Comment: GAMT: BP4, BP7

Natera, Inc.
Classification: Uncertain significance for Guanidinoacetate methyltransferase deficiency. Last evaluated: 2020-02-26. Review status: no assertion criteria provided. Collection method: clinical testing. Allele origin: germline. Not counted in ClinVar's aggregate classification.

NM_000156.6(GAMT):c.282C>T (p.Gly94=)

Gene: GAMT (guanidinoacetate N-methyltransferase; minus strand). Cytogenetic location: 19p13.3.
Variant type: single nucleotide variant.
Coding change: c.282C>T on transcript NM_000156.6 (MANE Select); coding-DNA position 282, C replaced by T.
Protein change: p.Gly94=; no amino-acid change (glycine 94 retained).
Molecular consequence: synonymous variant.
Genome position (GRCh38, 1-based): chr19:1,399,838, G>A on the plus strand (C>T on the coding strand, the complement: GAMT is on the minus strand). VCF-style: chr19-1399838-G-A. GRCh37 (hg19) VCF-style: chr19-1399837-G-A.
Other names: c.282C>T, p.Gly94= (NM_138924.3).
Identifiers: ClinVar variation 644644 (VCV000644644.29), dbSNP rs771191011, ClinGen allele CA9043750.